The following is an entry in ClinVar:

ClinVar aggregate classification (germline): Likely benign. Review status: criteria provided, multiple submitters, no conflicts (2 of 4 stars). 2 submissions from 2 submitters: Likely benign (2). Last evaluated 2023-02-01.

Conditions:
Growth delay due to insulin-like growth factor type 1 deficiency (IGF1D). Also called: GROWTH RETARDATION WITH SENSORINEURAL DEAFNESS AND MENTAL RETARDATION; IGF1 DEFICIENCY. Identifiers: Orphanet 73272, MedGen C1837475, MONDO:0012110, OMIM 608747.

Allele frequency attached by ClinVar (database versions not stated): TOPMed 0.00155; gnomAD 0.00181 and 0.00200; 1000 Genomes Project 30x 0.00281; 1000 Genomes Project 0.00319.

Submissions (3):

CeGaT Center for Human Genetics Tuebingen
Classification: Likely benign. Last evaluated: 2023-02-01. Review status: criteria provided, single submitter. Criteria: CeGaT Center For Human Genetics Tuebingen Variant Classification Criteria Version 2. Collection method: clinical testing. Allele origin: germline. Affected: yes. Observed: 2 variant alleles.
Comment: HELLPAR: BS1; IGF1: BS1

Illumina Laboratory Services, Illumina
Classification: Likely benign for Growth delay due to insulin-like growth factor type 1 deficiency. Last evaluated: 2018-01-13. Review status: criteria provided, single submitter. Criteria: ICSL Variant Classification Criteria 13 December 2019. Collection method: clinical testing. Allele origin: germline.
Comment: This variant was observed in the ICSL laboratory as part of a predisposition screen in an ostensibly healthy population. It had not been previously curated by ICSL or reported in the Human Gene Mutation Database (HGMD: prior to June 1st, 2018), and was therefore a candidate for classification through an automated scoring system. Utilizing variant allele frequency, disease prevalence and penetrance estimates, and inheritance mode, an automated score was calculated to assess if this variant is too frequent to cause the disease. Based on the score and internal cut-off values, a variant classified as likely benign is not then subjected to further curation. The score for this variant resulted in a classification of likely benign for this disease.

Dr. Peter K. Rogan Lab, Western University
No classification provided (evidence only). Condition: Uterine corpus endometrial carcinoma. Review status: no classification provided. Collection method: in vitro. Allele origin: not applicable. Functional consequence: retained intron. Not counted in ClinVar's aggregate classification.

NM_000618.5(IGF1):c.*4410T>G

Genes: IGF1 (insulin like growth factor 1; minus strand), LINC02456 (long independently transcribed non-coding RNA 2456; plus strand). Cytogenetic location: 12q23.2.
Variant type: single nucleotide variant.
Coding change: c.*4410T>G on transcript NM_000618.5 (MANE Select); 4410 bases downstream of the stop codon, T replaced by G.
Molecular consequence: 3 prime UTR variant.
Genome position (GRCh38, 1-based): chr12:102,398,097, A>C on the plus strand (T>G on the coding strand, the complement: IGF1 is on the minus strand). VCF-style: chr12-102398097-A-C. GRCh37 (hg19) VCF-style: chr12-102791875-A-C.
Other names: NC_000012.11:g.102791875A>C; c.*4444T>G (NM_001111283.3); c.*4410T>G (NM_001111284.2).
Identifiers: ClinVar variation 882979 (VCV000882979.29), dbSNP rs5742708, ClinGen allele CA242629037.